The following is an entry in ClinVar:

ClinVar aggregate classification (germline): Uncertain significance. Review status: criteria provided, multiple submitters, no conflicts (2 of 4 stars). 2 submissions from 2 submitters: Uncertain significance (2). Last evaluated 2023-10-10.

Conditions:
Hereditary cancer-predisposing syndrome. Also called: Neoplastic Syndromes, Hereditary; Tumor predisposition; Hereditary neoplastic syndrome; Hereditary Cancer Syndrome. Identifiers: Orphanet 140162, MedGen C0027672, MeSH D009386, MONDO:0015356.
DICER1-related tumor predisposition. Also called: DICER1 syndrome; DICER1-related pleuropulmonary blastoma cancer predisposition syndrome. Identifiers: Orphanet 284343, MedGen C3839822, MONDO:0100216.

Allele frequency attached by ClinVar (database versions not stated): gnomAD exomes below 0.00001.
gnomAD v4.1: 5 of 1,614,194 alleles (0.00031%); highest among the groups gnomAD compares: Non-Finnish European, 0.00042%; no homozygotes.

Submissions (2):

Ambry Genetics
Classification: Uncertain significance for Hereditary cancer-predisposing syndrome. Last evaluated: 2023-10-10. Review status: criteria provided, single submitter. Criteria: Ambry Variant Classification Scheme 2023. Collection method: clinical testing. Allele origin: germline.
Comment: The p.S1491I variant (also known as c.4472G>T), located in coding exon 22 of the DICER1 gene, results from a G to T substitution at nucleotide position 4472. The serine at codon 1491 is replaced by isoleucine, an amino acid with dissimilar properties. This amino acid position is conserved. In addition, this alteration is predicted to be tolerated by in silico analysis. Since supporting evidence is limited at this time, the clinical significance of this alteration remains unclear.

Labcorp Genetics (formerly Invitae), Labcorp
Classification: Uncertain significance for DICER1-related tumor predisposition. Last evaluated: 2015-11-24. Review status: criteria provided, single submitter. Criteria: Invitae Variant Classification Sherloc (09022015). Collection method: clinical testing. Allele origin: germline.
Comment: This variant is not present in population databases (ExAC no frequency) and has not been reported in the literature. In summary, this is a novel missense change with uncertain impact on protein function. It has been classified as a Variant of Uncertain Significance. Algorithms developed to predict the effect of missense changes on protein structure and function do not agree on the potential impact of this missense change (SIFT: "Tolerated"; PolyPhen-2: "Possibly Damaging"; Align-GVGD: "Class C0"). This sequence change replaces serine with isoleucine at codon 1491 of the DICER1 protein (p.Ser1491Ile). The serine residue is weakly conserved and there is a large physicochemical difference between serine and isoleucine.

NM_177438.3(DICER1):c.4472G>T (p.Ser1491Ile)

Gene: DICER1 (dicer 1, ribonuclease III; minus strand). Cytogenetic location: 14q32.13.
Variant type: single nucleotide variant.
Coding change: c.4472G>T on transcript NM_177438.3 (MANE Select); coding-DNA position 4472, G replaced by T.
Protein change: p.Ser1491Ile; replaces serine 1491 with isoleucine.
Molecular consequence: missense variant.
Genome position (GRCh38, 1-based): chr14:95,096,448, C>A on the plus strand (G>T on the coding strand, the complement: DICER1 is on the minus strand). VCF-style: chr14-95096448-C-A. GRCh37 (hg19) VCF-style: chr14-95562785-C-A.
Other names: c.4472G>T, p.Ser1491Ile (NM_001195573.1, NM_001271282.3, NM_001291628.2 and 1 more transcripts); short protein forms S1491I.
Identifiers: ClinVar variation 242110 (VCV000242110.11), dbSNP rs878855267, ClinGen allele CA10583192.
Genomic context (GRCh38, chr14:95,096,448, plus strand): 5'-TAGCACATTGCATCCCAAGAGCTGTAGTCAAAATCCTCAAAATCTGATGAAAATGGCATA[C>A]TACCTAAGGAGGATTTTTTGGGCATTTTCCATTCATATGCAGAATCAGTGGTTGAAAAAG-3'
Protein context (NP_803187.1, residues 1481-1501): WKMPKKSSLG[Ser1491Ile]MPFSSDFEDF